The following is an entry in ClinVar:

ClinVar aggregate classification (germline): Benign. Review status: criteria provided, multiple submitters, no conflicts (2 of 4 stars). 2 submissions from 2 submitters: Benign (2). Last evaluated 2017-04-27.

Conditions:
Spondyloepiphyseal dysplasia tarda (SEDT). Also called: SPONDYLOEPIPHYSEAL DYSPLASIA, LATE. Identifiers: Orphanet 93284, MedGen CN033239, MONDO:0019667.

Allele frequency attached by ClinVar (database versions not stated): gnomAD exomes 0.42105; gnomAD 0.65101; TOPMed 0.66194; 1000 Genomes Project 0.69669; 1000 Genomes Project 30x 0.70593.

Submissions (2):

Illumina Laboratory Services, Illumina
Classification: Benign for Spondyloepiphyseal dysplasia tarda, X-linked. Last evaluated: 2017-04-27. Review status: criteria provided, single submitter. Criteria: ICSL Variant Classification Criteria 13 December 2019. Collection method: clinical testing. Allele origin: germline.
Comment: This variant was observed as part of a predisposition screen in an ostensibly healthy population. A literature search was performed for the gene, cDNA change, and amino acid change (where applicable). No publications were found based on this search. Allele frequency data from public databases was too high to be consistent with this variant causing disease. Therefore, this variant is classified as benign.

Breakthrough Genomics
Classification: Benign. Review status: criteria provided, single submitter. Criteria: ACMG Guidelines, 2015. Collection method: not provided. Allele origin: germline. Inheritance: X-linked inheritance. Affected: yes.

NM_001011658.4(TRAPPC2):c.*830G>C

Gene: TRAPPC2 (trafficking protein particle complex subunit 2; minus strand). Cytogenetic location: Xp22.2.
Variant type: single nucleotide variant.
Coding change: c.*830G>C on transcript NM_001011658.4 (MANE Select); 830 bases downstream of the stop codon, G replaced by C.
Molecular consequence: 3 prime UTR variant.
Genome position (GRCh38, 1-based): chrX:13,713,577, C>G on the plus strand (G>C on the coding strand, the complement: TRAPPC2 is on the minus strand). VCF-style: chrX-13713577-C-G. GRCh37 (hg19) VCF-style: chrX-13731696-C-G.
Other names: c.*830G>C (NM_001128835.3, NM_014563.6).
Identifiers: ClinVar variation 367981 (VCV000367981.6), dbSNP rs1964206, ClinGen allele CA10653795.
Genomic context (GRCh38, chrX:13,713,577, plus strand): 5'-TTAAGTAAAAATATTTCATGGCCGGGCGTGGTGGCTCACACGCCTGTAATCCCAGCACTT[C>G]CTGAGGTGGGTGGATCACGAGGTCAGGAGTTCAAGACCAGCCTGACCAATATGGTGAAAC-3'